The following is an entry in ClinVar:

NM_013447.4(ADGRE2):c.2027G>A (p.Cys676Tyr)

Gene: ADGRE2 (adhesion G protein-coupled receptor E2; minus strand). Cytogenetic location: 19p13.12.
Variant type: single nucleotide variant.
Coding change: c.2027G>A on transcript NM_013447.4 (MANE Select); coding-DNA position 2027, G replaced by A.
Protein change: p.Cys676Tyr; replaces cysteine 676 with tyrosine.
Molecular consequence: missense variant.
Genome position (GRCh38, 1-based): chr19:14,746,960, C>T on the plus strand (G>A on the coding strand, the complement: ADGRE2 is on the minus strand). VCF-style: chr19-14746960-C-T. GRCh37 (hg19) VCF-style: chr19-14857772-C-T.
Other names: c.1853G>A, p.Cys618Tyr (NM_001271052.1); c.1880G>A, p.Cys627Tyr (NM_152916.2); c.1748G>A, p.Cys583Tyr (NM_152917.2); short protein forms C676Y, C583Y, C618Y, C627Y.
Identifiers: ClinVar variation 4752096 (VCV004752096.1).

ClinVar aggregate classification (germline): Uncertain significance (1 of 4 stars; one submission).

gnomAD v4.1: 11 of 1,609,236 alleles (0.00068%); highest among the groups gnomAD compares: Non-Finnish European, 0.00093%; no homozygotes.

Submission:

Labcorp Genetics (formerly Invitae), Labcorp
Classification: Uncertain significance. Last evaluated: 2026-01-27. Review status: criteria provided, single submitter. Criteria: Invitae Variant Classification Sherloc (09022015). Collection method: clinical testing. Allele origin: germline.
Comment: This sequence change replaces cysteine, which is neutral and slightly polar, with tyrosine, which is neutral and polar, at codon 676 of the ADGRE2 protein (p.Cys676Tyr). This variant is not present in population databases (gnomAD no frequency). This variant has not been reported in the literature in individuals affected with ADGRE2-related conditions. An algorithm developed to predict the effect of missense changes on protein structure and function (PolyPhen-2) suggests that this variant is likely to be disruptive. In summary, the available evidence is currently insufficient to determine the role of this variant in disease. Therefore, it has been classified as a Variant of Uncertain Significance.